The following is an entry in ClinVar:

ClinVar aggregate classification (germline): Uncertain significance (1 of 4 stars; one submission).

Submission:

GeneDx
Classification: Uncertain significance. Last evaluated: 2024-11-03. Review status: criteria provided, single submitter. Criteria: GeneDx Variant Classification Process June 2021. Collection method: clinical testing. Allele origin: germline. Affected: yes.
Comment: Not observed at significant frequency in large population cohorts (gnomAD); In silico analysis supports that this missense variant has a deleterious effect on protein structure/function; Has not been previously published as pathogenic or benign to our knowledge

NM_005559.4(LAMA1):c.377C>A (p.Ala126Asp)

Gene: LAMA1 (laminin subunit alpha 1; minus strand). Cytogenetic location: 18p11.31.
Variant type: single nucleotide variant.
Coding change: c.377C>A on transcript NM_005559.4 (MANE Select); coding-DNA position 377, C replaced by A.
Protein change: p.Ala126Asp; replaces alanine 126 with aspartic acid.
Molecular consequence: missense variant.
Genome position (GRCh38, 1-based): chr18:7,050,905, G>T on the plus strand (C>A on the coding strand, the complement: LAMA1 is on the minus strand). VCF-style: chr18-7050905-G-T. GRCh37 (hg19) VCF-style: chr18-7050904-G-T.
Other names: short protein forms A126D.
Identifiers: ClinVar variation 3899557 (VCV003899557.1).